The following is an entry in ClinVar:

NM_152558.5(IQCE):c.1969+89T>G

Gene: IQCE (IQ motif containing E; plus strand). Cytogenetic location: 7p22.3.
Variant type: single nucleotide variant.
Coding change: c.1969+89T>G on transcript NM_152558.5 (MANE Select); 89 bases into the intron after coding-DNA position 1969, T replaced by G.
Molecular consequence: intron variant. On other transcripts: synonymous variant (3).
Genome position (GRCh38, 1-based): chr7:2,607,316, T>G. VCF-style: chr7-2607316-T-G. GRCh37 (hg19) VCF-style: chr7-2646950-T-G.
Other names: c.2058T>G, p.Ala686= (NM_001287499.2); c.2010T>G, p.Ala670= (NM_001287500.2); c.1863T>G, p.Ala621= (NM_001287502.2); c.1774+89T>G (NM_001287501.2); c.2058T>G (NM_001287499.1).
Identifiers: ClinVar variation 1262902 (VCV001262902.4), dbSNP rs1056568, ClinGen allele CA4129588.

ClinVar aggregate classification (germline): Benign. Review status: criteria provided, single submitter (1 of 4 stars). 2 submissions from 2 submitters: Benign (1). 1 of the submissions does not count toward it. Last evaluated 2019-09-12.

Conditions:
IQCE-related disorder. Also called: IQCE-related condition.

Allele frequency attached by ClinVar (database versions not stated): TOPMed 0.35031; 1000 Genomes Project 30x 0.41177; 1000 Genomes Project 0.41394.
gnomAD v4.1: 495,862 of 1,569,804 alleles (32%); highest among the groups gnomAD compares: East Asian, 55%; 81,472 homozygotes.

Submissions (2):

GeneDx
Classification: Benign. Last evaluated: 2019-09-12. Review status: criteria provided, single submitter. Criteria: GeneDx Variant Classification Process June 2021. Collection method: clinical testing. Allele origin: germline. Affected: yes.

PreventionGenetics, part of Exact Sciences
Classification: Benign for IQCE-related condition. Last evaluated: 2023-02-01. Review status: no assertion criteria provided. Collection method: clinical testing. Allele origin: germline. Not counted in ClinVar's aggregate classification.
Comment: This variant is classified as benign based on ACMG/AMP sequence variant interpretation guidelines (Richards et al. 2015 PMID: 25741868, with internal and published modifications).